The following is an entry in ClinVar:

NM_005732.4(RAD50):c.2072_2073del (p.Glu691fs)

Gene: RAD50 (RAD50 double strand break repair protein; plus strand). Cytogenetic location: 5q31.1.
Variant type: Microsatellite.
Coding change: c.2072_2073del on transcript NM_005732.4 (MANE Select); coding-DNA positions 2072 to 2073, 2 bases deleted (AG; older notation c.2072_2073delAG).
Protein change: p.Glu691fs; shifts the reading frame from glutamic acid 691.
Molecular consequence: frameshift variant.
Genome position (GRCh38, 1-based): chr5:132,595,675-132,595,676, AG deleted; deleting any 2 consecutive bases within chr5:132,595,673-132,595,676 gives the same sequence; the c. name uses the placement nearest the transcript's 3' end. VCF-style (leftmost placement, unchanged base first): chr5-132595672-CAG-C. GRCh37 (hg19) VCF-style: chr5-131931364-CAG-C.
Other names: short protein forms E691fs.
Identifiers: ClinVar variation 958382 (VCV000958382.8), dbSNP rs1750778435, ClinGen allele CA1583242163.

ClinVar aggregate classification (germline): Pathogenic (1 of 4 stars; one submission).

Conditions:
Hereditary cancer-predisposing syndrome. Also called: Tumor predisposition; Hereditary neoplastic syndrome; Neoplastic Syndromes, Hereditary; Hereditary Cancer Syndrome. Identifiers: Orphanet 140162, MedGen C0027672, MeSH D009386, MONDO:0015356.

Submission:

Labcorp Genetics (formerly Invitae), Labcorp
Classification: Pathogenic for Hereditary cancer-predisposing syndrome. Last evaluated: 2024-07-30. Review status: criteria provided, single submitter. Criteria: Invitae Variant Classification Sherloc (09022015). Collection method: clinical testing. Allele origin: germline.
Comment: This sequence change creates a premature translational stop signal (p.Glu691Glyfs*2) in the RAD50 gene. It is expected to result in an absent or disrupted protein product. Loss-of-function variants in RAD50 are known to be pathogenic (PMID: 19409520). This variant is not present in population databases (gnomAD no frequency). This variant has not been reported in the literature in individuals affected with RAD50-related conditions. ClinVar contains an entry for this variant (Variation ID: 958382). For these reasons, this variant has been classified as Pathogenic.

Literature cited by the submitters: PubMed 19409520.